The following is an entry in ClinVar:

NM_007194.4(CHEK2):c.-7+11T>C

Genes: CHEK2 (checkpoint kinase 2; minus strand), LOC130067165 (ATAC-STARR-seq lymphoblastoid active region 18804; plus strand). Cytogenetic location: 22q12.1.
Variant type: single nucleotide variant.
Coding change: c.-7+11T>C on transcript NM_007194.4 (MANE Select); 11 bases into the intron after 7 bases upstream of the start codon, T replaced by C.
Molecular consequence: intron variant.
Genome position (GRCh38, 1-based): chr22:28,741,758, A>G on the plus strand (T>C on the coding strand, the complement: CHEK2 is on the minus strand). VCF-style: chr22-28741758-A-G. GRCh37 (hg19) VCF-style: chr22-29137746-A-G.
Other names: c.-345+11T>C (NM_001437942.1); c.-7+11T>C (NM_001349956.3, NM_145862.3, NM_001438295.1 and 3 more transcripts); c.-784+11T>C (NM_001257387.3).
Identifiers: ClinVar variation 391098 (VCV000391098.1), dbSNP rs1057523966, ClinGen allele CA16609093.

ClinVar aggregate classification (germline): Likely benign (1 of 4 stars; one submission).

Submission:

GeneDx
Classification: Likely benign. Last evaluated: 2016-11-16. Review status: criteria provided, single submitter. Criteria: GeneDx Variant Classification (06012015). Collection method: clinical testing. Allele origin: germline. Affected: yes.
Comment: This variant is considered likely benign or benign based on one or more of the following criteria: it is a conservative change, it occurs at a poorly conserved position in the protein, it is predicted to be benign by multiple in silico algorithms, and/or has population frequency not consistent with disease.